The following is an entry in ClinVar:

ClinVar aggregate classification (germline): Likely benign (0 of 4 stars; one submission).

Conditions:
PSTPIP1-related disorder. Also called: PSTPIP1-related condition.

Allele frequency attached by ClinVar (database versions not stated): gnomAD exomes below 0.00001.
gnomAD v4.1: 2 of 1,487,326 alleles (0.00013%); highest among the groups gnomAD compares: Non-Finnish European, 0.00018%; no homozygotes.

Submission:

PreventionGenetics, part of Exact Sciences
Classification: Likely benign for PSTPIP1-related condition. Last evaluated: 2019-02-19. Review status: no assertion criteria provided. Collection method: clinical testing. Allele origin: germline.
Comment: This variant is classified as likely benign based on ACMG/AMP sequence variant interpretation guidelines (Richards et al. 2015 PMID: 25741868, with internal and published modifications).

NM_003978.5(PSTPIP1):c.-159C>G

Gene: PSTPIP1 (proline-serine-threonine phosphatase interacting protein 1; plus strand). Cytogenetic location: 15q24.3.
Variant type: single nucleotide variant.
Coding change: c.-159C>G on transcript NM_003978.5 (MANE Select); 159 bases upstream of the start codon, C replaced by G.
Molecular consequence: 5 prime UTR variant. On other transcripts: missense variant (1), non-coding transcript variant (1).
Genome position (GRCh38, 1-based): chr15:76,995,415, C>G. VCF-style: chr15-76995415-C-G. GRCh37 (hg19) VCF-style: chr15-77287756-C-G.
Other names: c.-159C>G (NM_001321135.2, NM_001411086.1); c.-405C>G (NM_001321136.2); c.37C>G, p.Leu13Val (NM_001321137.1); short protein forms L13V.
Identifiers: ClinVar variation 3058774 (VCV003058774.2), dbSNP rs1345924057, ClinGen allele CA393515002.